The following is an entry in ClinVar:

ClinVar aggregate classification (germline): Uncertain significance. Review status: criteria provided, multiple submitters, no conflicts (2 of 4 stars). 2 submissions from 2 submitters: Uncertain significance (2). Last evaluated 2023-11-07.

Conditions:
Alstrom syndrome (ALMS). Identifiers: Orphanet 64, MedGen C0268425, MONDO:0008763, OMIM 203800.

Submissions (2):

Blueprint Genetics
Classification: Uncertain significance. Last evaluated: 2023-11-07. Review status: criteria provided, single submitter. Criteria: ACMG Guidelines, 2015. Collection method: clinical testing. Allele origin: germline.

Labcorp Genetics (formerly Invitae), Labcorp
Classification: Uncertain significance for Alstrom syndrome. Last evaluated: 2022-07-12. Review status: criteria provided, single submitter. Criteria: Invitae Variant Classification Sherloc (09022015). Collection method: clinical testing. Allele origin: germline.
Comment: This sequence change replaces aspartic acid, which is acidic and polar, with tyrosine, which is neutral and polar, at codon 3514 of the ALMS1 protein (p.Asp3514Tyr). This variant is not present in population databases (gnomAD no frequency). This variant has not been reported in the literature in individuals affected with ALMS1-related conditions. ClinVar contains an entry for this variant (Variation ID: 1445396). Experimental studies and prediction algorithms are not available or were not evaluated, and the functional significance of this variant is currently unknown. In summary, the available evidence is currently insufficient to determine the role of this variant in disease. Therefore, it has been classified as a Variant of Uncertain Significance.

NM_001378454.1(ALMS1):c.10537G>T (p.Asp3513Tyr)

Gene: ALMS1 (ALMS1 centrosome and basal body associated protein; plus strand). Cytogenetic location: 2p13.1.
Variant type: single nucleotide variant.
Coding change: c.10537G>T on transcript NM_001378454.1 (MANE Select); coding-DNA position 10537, G replaced by T.
Protein change: p.Asp3513Tyr; replaces aspartic acid 3513 with tyrosine.
Molecular consequence: missense variant.
Genome position (GRCh38, 1-based): chr2:73,572,414, G>T. VCF-style: chr2-73572414-G-T. GRCh37 (hg19) VCF-style: chr2-73799541-G-T.
Other names: c.10540G>T, p.Asp3514Tyr (NM_015120.4); short protein forms D3513Y, D3514Y.
Identifiers: ClinVar variation 1445396 (VCV001445396.4), dbSNP rs1674949916, ClinGen allele CA347283474.